The following is an entry in ClinVar:

ClinVar aggregate classification (germline): Likely benign (1 of 4 stars; one submission).

Allele frequency attached by ClinVar (database versions not stated): 1000 Genomes Project 0.00359; 1000 Genomes Project 30x 0.00359; ESP Exome Variant Server 0.00425; ExAC 0.00528.
gnomAD v4.1: 10,435 of 1,610,150 alleles (0.65%); highest among the groups gnomAD compares: South Asian, 0.96%; 50 homozygotes.

Submission:

CeGaT Center for Human Genetics Tuebingen
Classification: Likely benign. Last evaluated: 2026-07-01. Review status: criteria provided, single submitter. Criteria: CeGaT Center For Human Genetics Tuebingen Variant Classification Criteria Version 2. Collection method: clinical testing. Allele origin: germline. Affected: yes. Observed: 7 variant alleles.
Comment: AHNAK2: BP4, BS2

NM_138420.4(AHNAK2):c.1254G>T (p.Arg418Ser)

Gene: AHNAK2 (AHNAK nucleoprotein 2; minus strand). Cytogenetic location: 14q32.33.
Variant type: single nucleotide variant.
Coding change: c.1254G>T on transcript NM_138420.4 (MANE Select); coding-DNA position 1254, G replaced by T.
Protein change: p.Arg418Ser; replaces arginine 418 with serine.
Molecular consequence: missense variant.
Genome position (GRCh38, 1-based): chr14:104,954,197, C>A on the plus strand (G>T on the coding strand, the complement: AHNAK2 is on the minus strand). VCF-style: chr14-104954197-C-A. GRCh37 (hg19) VCF-style: chr14-105420534-C-A.
Other names: c.954G>T, p.Arg318Ser (NM_001350929.2); short protein forms R318S, R418S.
Identifiers: ClinVar variation 2644891 (VCV002644891.24), dbSNP rs41307096, ClinGen allele CA7383868.